The following is an entry in ClinVar:

NM_005633.4(SOS1):c.1535A>T (p.His512Leu)

Gene: SOS1 (SOS Ras/Rac guanine nucleotide exchange factor 1; minus strand). Cytogenetic location: 2p22.1.
Variant type: single nucleotide variant.
Coding change: c.1535A>T on transcript NM_005633.4 (MANE Select); coding-DNA position 1535, A replaced by T.
Protein change: p.His512Leu; replaces histidine 512 with leucine.
Molecular consequence: missense variant.
Genome position (GRCh38, 1-based): chr2:39,022,893, T>A on the plus strand (A>T on the coding strand, the complement: SOS1 is on the minus strand). VCF-style: chr2-39022893-T-A. GRCh37 (hg19) VCF-style: chr2-39250034-T-A.
Other names: c.1514A>T, p.His505Leu (NM_001382394.1); c.1535A>T, p.His512Leu (NM_001382395.1); short protein forms H505L, H512L.
Identifiers: ClinVar variation 3359524 (VCV003359524.1).
Genomic context (GRCh38, chr2:39,022,893, plus strand): 5'-TCAGCTGACTTGGCAGAAAATATAACACTATTTTCATCTTTTAAAATTATTTCAAAAGCA[T>A]GCTTGTATTCATTGGTGTCATCTTTATCATTAATTTGTACCTTTCGCATAAAAAACTTTT-3'
Protein context (NP_005624.2, residues 502-522): NDKDDTNEYK[His512Leu]AFEIILKDEN

ClinVar aggregate classification (germline): Uncertain significance (1 of 4 stars; one submission).

gnomAD v4.1: 13 of 1,611,664 alleles (0.00081%); highest among the groups gnomAD compares: Non-Finnish European, 0.001%; no homozygotes.

Submission:

GeneDx
Classification: Uncertain significance. Last evaluated: 2023-06-20. Review status: criteria provided, single submitter. Criteria: GeneDx Variant Classification Process June 2021. Collection method: clinical testing. Allele origin: germline. Affected: yes.
Comment: Missense variants in this gene are often considered pathogenic (HGMD); In silico analysis supports that this missense variant has a deleterious effect on protein structure/function; Has not been previously published as pathogenic or benign to our knowledge; This variant is associated with the following publications: (PMID: 29493581)